The following is an entry in ClinVar:

ClinVar aggregate classification (germline): Uncertain significance. Review status: criteria provided, multiple submitters, no conflicts (2 of 4 stars). 4 submissions from 4 submitters: Uncertain significance (4). Last evaluated 2024-06-10.

Conditions:
Nephronophthisis-like nephropathy 1 (NPHPL1). Identifiers: Orphanet 655, MedGen C3150419, MONDO:0013163, OMIM 613159.
Inborn genetic diseases. Identifiers: MedGen C0950123, MeSH D030342.

Allele frequency attached by ClinVar (database versions not stated): gnomAD 0.00001 and 0.00002; gnomAD exomes 0.00001 and 0.00002; ExAC 0.00002; TOPMed 0.00003.
gnomAD v4.1: 11 of 1,614,068 alleles (0.00068%); highest among the groups gnomAD compares: Non-Finnish European, 0.00093%; no homozygotes.

Submissions (4):

Fulgent Genetics
Classification: Uncertain significance for Nephronophthisis-like nephropathy 1. Last evaluated: 2024-06-10. Review status: criteria provided, single submitter. Criteria: ACMG Guidelines, 2015. Collection method: clinical testing. Allele origin: germline.

Labcorp Genetics (formerly Invitae), Labcorp
Classification: Uncertain significance for Nephronophthisis-like nephropathy 1. Last evaluated: 2022-02-24. Review status: criteria provided, single submitter. Criteria: Invitae Variant Classification Sherloc (09022015). Collection method: clinical testing. Allele origin: germline.
Comment: This sequence change replaces isoleucine, which is neutral and non-polar, with methionine, which is neutral and non-polar, at codon 297 of the XPNPEP3 protein (p.Ile297Met). In summary, the available evidence is currently insufficient to determine the role of this variant in disease. Therefore, it has been classified as a Variant of Uncertain Significance. Algorithms developed to predict the effect of missense changes on protein structure and function (SIFT, PolyPhen-2, Align-GVGD) all suggest that this variant is likely to be tolerated. ClinVar contains an entry for this variant (Variation ID: 216735). This variant has not been reported in the literature in individuals affected with XPNPEP3-related conditions. This variant is present in population databases (rs746834434, gnomAD 0.004%).

Ambry Genetics
Classification: Uncertain significance for Inborn genetic diseases. Last evaluated: 2021-10-06. Review status: criteria provided, single submitter. Criteria: Ambry Variant Classification Scheme 2023. Collection method: clinical testing. Allele origin: germline.

Illumina Laboratory Services, Illumina
Classification: Uncertain significance for Nephronophthisis-like nephropathy 1. Last evaluated: 2018-01-12. Review status: criteria provided, single submitter. Criteria: ICSL Variant Classification Criteria 13 December 2019. Collection method: clinical testing. Allele origin: germline.

NM_022098.4(XPNPEP3):c.891T>G (p.Ile297Met)

Gene: XPNPEP3 (X-prolyl aminopeptidase 3; plus strand). Cytogenetic location: 22q13.2.
Variant type: single nucleotide variant.
Coding change: c.891T>G on transcript NM_022098.4 (MANE Select); coding-DNA position 891, T replaced by G.
Protein change: p.Ile297Met; replaces isoleucine 297 with methionine.
Molecular consequence: missense variant.
Genome position (GRCh38, 1-based): chr22:40,909,157, T>G. VCF-style: chr22-40909157-T-G. GRCh37 (hg19) VCF-style: chr22-41305161-T-G.
Other names: short protein forms I297M.
Identifiers: ClinVar variation 216735 (VCV000216735.13), dbSNP rs746834434, ClinGen allele CA335921.